The following is an entry in ClinVar:

ClinVar aggregate classification (germline): Conflicting classifications of pathogenicity. Review status: criteria provided, conflicting classifications (1 of 4 stars). 2 submissions from 1 submitter: Uncertain significance (1); Likely benign (1). Last evaluated 2018-01-12.

Conditions:
Autosomal recessive nonsyndromic hearing loss 37. Identifiers: Orphanet 90636, MedGen C1843028, MONDO:0011912, OMIM 607821.
Autosomal dominant nonsyndromic hearing loss 22. Also called: Autosomal dominant nonsyndromic deafness 22; DFNA 22. Identifiers: Orphanet 228012, MedGen C2931767, MONDO:0011660, OMIM 606346.

Allele frequency attached by ClinVar (database versions not stated): 1000 Genomes Project 30x 0.00031; TOPMed 0.00036; gnomAD 0.00038; 1000 Genomes Project 0.00040.

Submissions (2):

Illumina Laboratory Services, Illumina
Classification: Uncertain significance for Autosomal recessive nonsyndromic hearing loss 37. Last evaluated: 2018-01-12. Review status: criteria provided, single submitter. Criteria: ICSL Variant Classification Criteria 13 December 2019. Collection method: clinical testing. Allele origin: germline.

Illumina Laboratory Services, Illumina
Classification: Likely benign for Autosomal dominant nonsyndromic hearing loss 22. Last evaluated: 2018-01-12. Review status: criteria provided, single submitter. Criteria: ICSL Variant Classification Criteria 13 December 2019. Collection method: clinical testing. Allele origin: germline.
Comment: This variant was observed in the ICSL laboratory as part of a predisposition screen in an ostensibly healthy population. It had not been previously curated by ICSL or reported in the Human Gene Mutation Database (HGMD: prior to June 1st, 2018), and was therefore a candidate for classification through an automated scoring system. Utilizing variant allele frequency, disease prevalence and penetrance estimates, and inheritance mode, an automated score was calculated to assess if this variant is too frequent to cause the disease. Based on the score and internal cut-off values, a variant classified as likely benign is not then subjected to further curation. The score for this variant resulted in a classification of likely benign for this disease.

NM_004999.4(MYO6):c.*3230T>C

Gene: MYO6 (myosin VI; plus strand). Cytogenetic location: 6q14.1.
Variant type: single nucleotide variant.
Coding change: c.*3230T>C on transcript NM_004999.4 (MANE Select); 3230 bases downstream of the stop codon, T replaced by C.
Molecular consequence: 3 prime UTR variant. On other transcripts: non-coding transcript variant (1).
Genome position (GRCh38, 1-based): chr6:75,918,242, T>C. VCF-style: chr6-75918242-T-C. GRCh37 (hg19) VCF-style: chr6-76627959-T-C.
Other names: c.*3230T>C (NM_001300899.2, NM_001368136.1, NM_001368137.1 and 3 more transcripts).
Identifiers: ClinVar variation 358039 (VCV000358039.5), dbSNP rs562815854, ClinGen allele CA10624669.
Genomic context (GRCh38, chr6:75,918,242, plus strand): 5'-CCCTATTTATCATTACCAATAATAACAAGTATTGAGAGTTTTAAAATTTCTCCCAGAAGA[T>C]AAACTAACAAGGATGGAAGGGGAGGGCAAAGGATATCTAAACATGAGAATAAGGACATGT-3'